The following is an entry in ClinVar:

NM_015202.5(KATNIP):c.2590A>C (p.Ser864Arg)

Gene: KATNIP (katanin interacting protein; plus strand). Cytogenetic location: 16p12.1.
Variant type: single nucleotide variant.
Coding change: c.2590A>C on transcript NM_015202.5 (MANE Select); coding-DNA position 2590, A replaced by C.
Protein change: p.Ser864Arg; replaces serine 864 with arginine.
Molecular consequence: missense variant.
Genome position (GRCh38, 1-based): chr16:27,740,887, A>C. VCF-style: chr16-27740887-A-C. GRCh37 (hg19) VCF-style: chr16-27752208-A-C.
Other names: short protein forms S864R.
Identifiers: ClinVar variation 2168570 (VCV002168570.4), dbSNP rs752123072, ClinGen allele CA7977995.

ClinVar aggregate classification (germline): Uncertain significance (1 of 4 stars; one submission).

Allele frequency attached by ClinVar (database versions not stated): TOPMed below 0.00001; ExAC 0.00001; gnomAD 0.00001; gnomAD exomes 0.00001.
gnomAD v4.1: 9 of 1,604,874 alleles (0.00056%); highest among the groups gnomAD compares: African/African-American, 0.0013%; no homozygotes.

Submission:

Labcorp Genetics (formerly Invitae), Labcorp
Classification: Uncertain significance. Last evaluated: 2022-04-29. Review status: criteria provided, single submitter. Criteria: Invitae Variant Classification Sherloc (09022015). Collection method: clinical testing. Allele origin: germline.
Comment: In summary, the available evidence is currently insufficient to determine the role of this variant in disease. Therefore, it has been classified as a Variant of Uncertain Significance. Algorithms developed to predict the effect of missense changes on protein structure and function are either unavailable or do not agree on the potential impact of this missense change (SIFT: "Tolerated"; PolyPhen-2: "Possibly Damaging"; Align-GVGD: "Class C0"). This variant has not been reported in the literature in individuals affected with KIAA0556-related conditions. This variant is present in population databases (rs752123072, gnomAD 0.001%). This sequence change replaces serine, which is neutral and polar, with arginine, which is basic and polar, at codon 864 of the KIAA0556 protein (p.Ser864Arg).